The following is an entry in ClinVar:

NM_000329.3(RPE65):c.854T>G (p.Met285Arg)

Gene: RPE65 (retinoid isomerohydrolase RPE65; minus strand). Cytogenetic location: 1p31.3.
Variant type: single nucleotide variant.
Coding change: c.854T>G on transcript NM_000329.3 (MANE Select); coding-DNA position 854, T replaced by G.
Protein change: p.Met285Arg; replaces methionine 285 with arginine.
Molecular consequence: missense variant.
Genome position (GRCh38, 1-based): chr1:68,439,195, A>C on the plus strand (T>G on the coding strand, the complement: RPE65 is on the minus strand). VCF-style: chr1-68439195-A-C. GRCh37 (hg19) VCF-style: chr1-68904878-A-C.
Other names: c.746T>G, p.Met249Arg (NM_001406853.1); c.578T>G, p.Met193Arg (NM_001406856.1, NM_001406857.1); c.854T>G, p.Met285Arg (NM_001406859.1); short protein forms M193R, M249R, M285R.
Identifiers: ClinVar variation 3752291 (VCV003752291.2).

ClinVar aggregate classification (germline): Uncertain significance (1 of 4 stars; one submission).

Conditions:
Retinitis pigmentosa 20 (RP20). Identifiers: Orphanet 791, MedGen C3151086, MONDO:0013425, OMIM 613794.
Leber congenital amaurosis 2 (LCA2). Also called: AMAUROSIS CONGENITA OF LEBER II; Autosomal Recessive RPE65-Related Retinal Degeneration. Identifiers: Orphanet 65, MedGen C1859844, MONDO:0008765, OMIM 204100. Disease mechanism: loss of function.

Submission:

Labcorp Genetics (formerly Invitae), Labcorp
Classification: Uncertain significance for Leber congenital amaurosis 2; Retinitis pigmentosa 20. Last evaluated: 2024-07-31. Review status: criteria provided, single submitter. Criteria: Invitae Variant Classification Sherloc (09022015). Collection method: clinical testing. Allele origin: germline.
Comment: This sequence change replaces methionine, which is neutral and non-polar, with arginine, which is basic and polar, at codon 285 of the RPE65 protein (p.Met285Arg). This variant is not present in population databases (gnomAD no frequency). This variant has not been reported in the literature in individuals affected with RPE65-related conditions. Advanced modeling of protein sequence and biophysical properties (such as structural, functional, and spatial information, amino acid conservation, physicochemical variation, residue mobility, and thermodynamic stability) performed at Invitae indicates that this missense variant is not expected to disrupt RPE65 protein function with a negative predictive value of 80%. In summary, the available evidence is currently insufficient to determine the role of this variant in disease. Therefore, it has been classified as a Variant of Uncertain Significance.